The following is an entry in ClinVar:

NM_001164508.2(NEB):c.1161C>G (p.Tyr387Ter)

Gene: NEB (nebulin; minus strand). Cytogenetic location: 2q23.3.
Variant type: single nucleotide variant.
Coding change: c.1161C>G on transcript NM_001164508.2 (MANE Select); coding-DNA position 1161, C replaced by G.
Protein change: p.Tyr387Ter; replaces tyrosine 387 with a stop codon.
Molecular consequence: nonsense.
Genome position (GRCh38, 1-based): chr2:151,697,640, G>C on the plus strand (C>G on the coding strand, the complement: NEB is on the minus strand). VCF-style: chr2-151697640-G-C. GRCh37 (hg19) VCF-style: chr2-152554154-G-C.
Other names: c.1161C>G, p.Tyr387Ter (NM_001164507.2, NM_001271208.2, NM_004543.5); short protein forms Y387*.
Identifiers: ClinVar variation 586164 (VCV000586164.12), dbSNP rs1259297878, ClinGen allele CA348826023.
Genomic context (GRCh38, chr2:151,697,640, plus strand): 5'-GAATTTGGGGGTCTCGCAGTAATTTATGCTCTTTGCTTTTGTCTTTTCATAGTTTTCCTT[G>C]TATAGTTTCTGTCAAAGAAAAAAAATTCAGTTAAAGTAGATTCCTGTCACTCCCACGCTG-3'

ClinVar aggregate classification (germline): Pathogenic/Likely pathogenic. Review status: criteria provided, multiple submitters, no conflicts (2 of 4 stars). 4 submissions from 4 submitters: Pathogenic (2); Likely pathogenic (2). Last evaluated 2025-12-19.

Conditions:
Arthrogryposis multiplex congenita 6. Identifiers: MedGen C5543431, MONDO:0030281, OMIM 619334.
Nemaline myopathy 2 (NEM2). Also called: Nemaline myopathy 2, autosomal recessive. Identifiers: MedGen C1850569, MONDO:0009725, OMIM 256030.

Allele frequency attached by ClinVar (database versions not stated): gnomAD exomes below 0.00001.
gnomAD v4.1: 2 of 1,601,024 alleles (0.00012%); highest among the groups gnomAD compares: Admixed American, 0.0036%; no homozygotes.

Submissions (4):

Natera, Inc.
Classification: Likely pathogenic for Nemaline myopathy type 2. Last evaluated: 2025-12-19. Review status: criteria provided, single submitter. Criteria: Natera Variant Classification Schema (03/2026). Collection method: clinical testing. Allele origin: germline.
Comment: The c.1161C>G variant in NEB is a nonsense variant predicted to introduce a stop codon at amino acid 387. This variant is expected to result in nonsense mediated decay, truncation, or a dysfunctional protein product. This variant is rare in the general population with a frequency below the threshold expected for the associated phenotype(s). Given the available evidence, this variant is classified as Likely Pathogenic.

Labcorp Genetics (formerly Invitae), Labcorp
Classification: Pathogenic for Nemaline myopathy 2. Last evaluated: 2023-09-26. Review status: criteria provided, single submitter. Criteria: Invitae Variant Classification Sherloc (09022015). Collection method: clinical testing. Allele origin: germline.
Comment: This sequence change creates a premature translational stop signal (p.Tyr387*) in the NEB gene. It is expected to result in an absent or disrupted protein product. Loss-of-function variants in NEB are known to be pathogenic (PMID: 25205138). This variant is present in population databases (no rsID available, gnomAD 0.003%). This premature translational stop signal has been observed in individual(s) with clinical features of NEB-related conditions (Invitae). ClinVar contains an entry for this variant (Variation ID: 586164). For these reasons, this variant has been classified as Pathogenic.

Baylor Genetics
Classification: Pathogenic for Arthrogryposis multiplex congenita 6. Last evaluated: 2023-07-24. Review status: criteria provided, single submitter. Criteria: ACMG Guidelines, 2015. Collection method: clinical testing. Allele origin: unknown.

Athena Diagnostics
Classification: Likely pathogenic. Last evaluated: 2018-03-23. Review status: criteria provided, single submitter. Criteria: Athena Diagnostics Criteria. Collection method: clinical testing. Allele origin: germline.

Literature cited by the submitters: PubMed 25205138 (cited by Labcorp Genetics (formerly Invitae), Labcorp).